The following is an entry in ClinVar:

NM_001360.3(DHCR7):c.438_439delinsCC (p.Gly147Arg)

Gene: DHCR7 (7-dehydrocholesterol reductase; minus strand). Cytogenetic location: 11q13.4.
Variant type: Indel.
Coding change: c.438_439delinsCC on transcript NM_001360.3 (MANE Select); coding-DNA positions 438 to 439, TG replaced by CC.
Protein change: p.Gly147Arg; replaces glycine 147 with arginine.
Molecular consequence: missense variant.
Genome position (GRCh38, 1-based): chr11:71,441,414-71,441,415, CA replaced by GG on the plus strand (TG replaced by CC on the coding strand, the reverse complement: DHCR7 is on the minus strand). VCF-style: chr11-71441414-CA-GG. GRCh37 (hg19) VCF-style: chr11-71152460-CA-GG.
Other names: c.438_439delinsCC, p.Gly147Arg (NM_001163817.2, NM_001425107.1, NM_001425109.1 and 7 more transcripts); c.474_475delinsCC, p.Gly159Arg (NM_001425108.1); c.378_379delinsCC, p.Gly127Arg (NM_001425113.1); c.342_343delinsCC, p.Gly115Arg (NM_001425114.1, NM_001425116.1); c.264_265delinsCC, p.Gly89Arg (NM_001425117.1); short protein forms G115R, G127R, G147R, G159R, G89R.
Identifiers: ClinVar variation 3768798 (VCV003768798.1).
Genomic context (GRCh38, chr11:71,441,414, plus strand): 5'-AGGACAGGAGATGAGCGTTTGCAAACCAGAGCAGGTGCGTGAGGAGCCAGGCTTGCAGGC[CA>GG]TTGATCTGATACTTGTTCACAACCCCTGCAGATGAAGGATTCAGAAATGAAGGCGCTTTC-3'
Protein context (NP_001351.2, residues 137-157): AGVVNKYQIN[Gly147Arg]LQAWLLTHLL

ClinVar aggregate classification (germline): Uncertain significance (1 of 4 stars; one submission).

Submission:

Women's Health and Genetics/Laboratory Corporation of America, LabCorp
Classification: Uncertain significance. Last evaluated: 2025-02-03. Review status: criteria provided, single submitter. Criteria: LabCorp Variant Classification Summary - May 2015. Collection method: clinical testing. Allele origin: germline.
Comment: Variant summary: DHCR7 c.438_439delinsCC (p.Gly147Arg) results in a non-conservative amino acid change in the encoded protein sequence. Four of four in-silico tools predict a damaging effect of the variant on protein function. The variant was absent in 279850 control chromosomes. The available data on variant occurrences in the general population are insufficient to allow any conclusion about variant significance. To our knowledge, no occurrence of c.438_439delinsCC in individuals affected with Smith-Lemli-Opitz Syndrome and no experimental evidence demonstrating its impact on protein function have been reported. A different variant affecting the same codon has been classified as pathogenic by our lab (c.440G>A, p.Gly147Asp), supporting the critical relevance of codon 147 to DHCR7 protein function. No submitters have cited clinical-significance assessments for this variant to ClinVar. Based on the evidence outlined above, the variant was classified as uncertain significance.